The following is an entry in ClinVar:

NC_000011.10:g.(?_108343212)_(108365518_?)del

Genes: ATM (ATM serine/threonine kinase; plus strand), C11orf65 (chromosome 11 open reading frame 65; minus strand). Cytogenetic location: 11q22.3.
Variant type: Deletion.
Identifiers: ClinVar variation 639369 (VCV000639369.2).

ClinVar aggregate classification (germline): Pathogenic (1 of 4 stars; one submission).

Conditions:
Ataxia-telangiectasia syndrome (AT). Also called: Ataxia-telangiectasia, complementation group D; AT, COMPLEMENTATION GROUP C; Ataxia-telangiectasia; ATAXIA-TELANGIECTASIA, COMPLEMENTATION GROUP A; ATAXIA-TELANGIECTASIA, FRESNO VARIANT; LOUIS-BAR SYNDROME. Identifiers: Orphanet 100, MedGen C0004135, MONDO:0008840, OMIM 208900.

Submission:

Labcorp Genetics (formerly Invitae), Labcorp
Classification: Pathogenic for Ataxia-telangiectasia syndrome. Last evaluated: 2019-10-01. Review status: criteria provided, single submitter. Criteria: Invitae Variant Classification Sherloc (09022015). Collection method: clinical testing. Allele origin: germline.
Comment: This variant is a gross deletion of the genomic region encompassing exons 57-63 of the ATM gene. The 5' boundary is likely confined to intron 56. The 3' end of this event is unknown as it extends through the termination codon beyond the assayed region for this gene and may encompass additional genes. While this deletion is not anticipated to result in nonsense mediated decay, it is expected to create a truncated protein product or disrupt mRNA translation. Deletions of exons 57-63 have been reported in a suspected hereditary breast and ovarian cancer family (PMID: 27581129), and individuals affected with astrocytoma, glioblastoma, and colon polyps (PMID: 26681312). This deletion eliminates a portion of the kinase domain (encoded by exons 55-62) and the entire FATC domain (encoded by exon 63) of the ATM protein. Both domains are known to be required for normal ATM protein function (PMID: 23532176). In addition, multiple missense substitutions in exons 57-63 have been determined to be pathogenic (PMID: 19781682, 19431188, 10873394,12552566). This suggests that this region is critical for proper ATM kinase function. Loss-of-function variants in ATM are known to be pathogenic (PMID: 25614872, 23807571). For these reasons, this variant has been classified as Pathogenic.

Literature cited by the submitters: PubMed 10873394; PubMed 12552566; PubMed 26681312; PubMed 27581129; PubMed 19431188; PubMed 19781682; PubMed 23532176.